The following is an entry in ClinVar:

NM_000321.3(RB1):c.2344_2346dup (p.Ile782_Pro783insIle)

Gene: RB1 (RB transcriptional corepressor 1; plus strand). Cytogenetic location: 13q14.2.
Variant type: Duplication.
Coding change: c.2344_2346dup on transcript NM_000321.3 (MANE Select); coding-DNA positions 2344 to 2346, 3 bases duplicated (ATA; older notation c.2344_2346dupATA).
Protein change: p.Ile782_Pro783insIle.
Molecular consequence: inframe insertion. On other transcripts: inframe indel (1).
Genome position (GRCh38, 1-based): chr13:48,465,223-48,465,225, ATA duplicated; duplicating any 3 consecutive bases within chr13:48,465,222-48,465,225 gives the same sequence; the c. name uses the placement nearest the transcript's 3' end. VCF-style (leftmost placement, unchanged base first): chr13-48465221-C-CAAT. GRCh37 (hg19) VCF-style: chr13-49039357-C-CAAT.
Other names: c.2344_2346dup, p.Ile782_Pro783insIle (NM_001407165.1); c.2344_2346dupATA (NM_000321.2).
Identifiers: ClinVar variation 4863029 (VCV004863029.1).
Genomic context (GRCh38, chr13:48,465,221, plus strand): 5'-CCAAAACATTAAATAAATAATCTACTTTTTTGTTTTTGCTCTAGCCCCCTACCTTGTCAC[C>CAAT]AATACCTCACATTCCTCGAAGCCCTTACAAGTTTCCTAGTTCACCCTTACGGATTCCTGG-3'

ClinVar aggregate classification (germline): Uncertain significance (1 of 4 stars; one submission).

Conditions:
Hereditary cancer-predisposing syndrome. Also called: Neoplastic Syndromes, Hereditary; Tumor predisposition; Hereditary Cancer Syndrome; Hereditary neoplastic syndrome. Identifiers: Orphanet 140162, MedGen C0027672, MeSH D009386, MONDO:0015356.

Submission:

Ambry Genetics
Classification: Uncertain significance for Hereditary cancer-predisposing syndrome. Last evaluated: 2026-05-20. Review status: criteria provided, single submitter. Criteria: Ambry Variant Classification Scheme 2023. Collection method: clinical testing. Allele origin: germline.
Comment: The c.2344_2346dupATA variant (also known as p.I782dup), located in coding exon 23 of the RB1 gene, results from an in-frame duplication of ATA at nucleotide positions 2344 to 2346. This results in the duplication of an extra isoleucine residue between codons 782 and 783. This amino acid position is highly conserved in available vertebrate species. In addition, the in silico prediction for this variant is inconclusive (Choi Y et al. PLoS ONE. 2012; 7(10):e46688). Based on the available evidence, the clinical significance of this variant remains unclear.